The following is an entry in ClinVar:

NM_012434.5(SLC17A5):c.379G>C (p.Gly127Arg)

Gene: SLC17A5 (solute carrier family 17 member 5; minus strand). Cytogenetic location: 6q13.
Variant type: single nucleotide variant.
Coding change: c.379G>C on transcript NM_012434.5 (MANE Select); coding-DNA position 379, G replaced by C.
Protein change: p.Gly127Arg; replaces glycine 127 with arginine.
Molecular consequence: missense variant.
Genome position (GRCh38, 1-based): chr6:73,641,837, C>G on the plus strand (G>C on the coding strand, the complement: SLC17A5 is on the minus strand). VCF-style: chr6-73641837-C-G. GRCh37 (hg19) VCF-style: chr6-74351560-C-G.
Other names: c.148G>C, p.Gly50Arg (NM_001382629.1, NM_001382636.1); c.379G>C, p.Gly127Arg (NM_001382630.1, NM_001382632.1, NM_001382633.1 and 2 more transcripts); c.400G>C, p.Gly134Arg (NM_001382631.1); short protein forms G134R, G127R, G50R.
Identifiers: ClinVar variation 4631017 (VCV004631017.1).

ClinVar aggregate classification (germline): Uncertain significance (1 of 4 stars; one submission).

Conditions:
Inborn genetic diseases. Identifiers: MedGen C0950123, MeSH D030342.

Submission:

Ambry Genetics
Classification: Uncertain significance for Inborn genetic diseases. Last evaluated: 2025-10-10. Review status: criteria provided, single submitter. Criteria: Ambry Variant Classification Scheme 2023. Collection method: clinical testing. Allele origin: germline.
Comment: The p.G127R variant (also known as c.379G>C), located in coding exon 3 of the SLC17A5 gene, results from a G to C substitution at nucleotide position 379. The glycine at codon 127 is replaced by arginine, an amino acid with dissimilar properties. This amino acid position is conserved. In addition, this alteration is predicted to be deleterious by in silico analysis. Based on the available evidence, the clinical significance of this variant remains unclear.